The following is an entry in ClinVar:

ClinVar aggregate classification (germline): Uncertain significance. Review status: criteria provided, multiple submitters, no conflicts (2 of 4 stars). 9 submissions from 9 submitters: Uncertain significance (9). Last evaluated 2025-10-06.

Conditions:
Cardiovascular phenotype. Identifiers: MedGen CN230736.
Cardiomyopathy (CMYO). Also called: Cardiomyopathies. Identifiers: Orphanet 167848, MedGen C0878544, MONDO:0004994, HP:0001638. Inheritance: Various modes of inheritance.
Hypertrophic cardiomyopathy. Also called: HYPERTROPHIC MYOCARDIOPATHY. Identifiers: Orphanet 217569, MedGen C0007194, MeSH D002312, MONDO:0005045, HP:0001639.

Allele frequency attached by ClinVar (database versions not stated): ExAC 0.00001; gnomAD 0.00001; gnomAD exomes 0.00001; TOPMed 0.00001.
gnomAD v4.1: 12 of 1,614,102 alleles (0.00074%); highest among the groups gnomAD compares: African/African-American, 0.0013%; no homozygotes.

Submissions (9):

Labcorp Genetics (formerly Invitae), Labcorp
Classification: Uncertain significance for Hypertrophic cardiomyopathy. Last evaluated: 2025-10-06. Review status: criteria provided, single submitter. Criteria: Invitae Variant Classification Sherloc (09022015). Collection method: clinical testing. Allele origin: germline.
Comment: This sequence change replaces alanine, which is neutral and non-polar, with threonine, which is neutral and polar, at codon 13 of the MYH7 protein (p.Ala13Thr). This variant is present in population databases (rs759231966, gnomAD 0.003%). This missense change has been observed in individual(s) with hypertrophic cardiomyopathy (PMID: 15940186). ClinVar contains an entry for this variant (Variation ID: 228909). Invitae Evidence Modeling of protein sequence and biophysical properties (such as structural, functional, and spatial information, amino acid conservation, physicochemical variation, residue mobility, and thermodynamic stability) has been performed for this missense variant. However, the output from this modeling did not meet the statistical confidence thresholds required to predict the impact of this variant on MYH7 protein function. In summary, the available evidence is currently insufficient to determine the role of this variant in disease. Therefore, it has been classified as a Variant of Uncertain Significance.

Molecular Diagnostic Laboratory for Inherited Cardiovascular Disease, Montreal Heart Institute
Classification: Uncertain significance for Cardiovascular phenotype. Last evaluated: 2025-04-09. Review status: criteria provided, single submitter. Criteria: ACMG Guidelines, 2015. Collection method: clinical testing. Allele origin: germline. Affected: yes.

All of Us Research Program, National Institutes of Health
Classification: Uncertain significance for Cardiomyopathy. Last evaluated: 2024-08-30. Review status: criteria provided, single submitter. Criteria: ACMG Guidelines, 2015. Collection method: clinical testing. Allele origin: germline. Inheritance: Autosomal dominant inheritance. Observed: 7 variant alleles, 7 heterozygotes.
Comment: This missense variant replaces alanine with threonine at codon 13 of the MYH7 protein. Computational prediction is inconclusive regarding the impact of this variant on protein structure and function (internally defined REVEL score threshold 0.5 < inconclusive < 0.7, PMID: 27666373). To our knowledge, functional studies have not been reported for this variant. This variant has not been reported in individuals affected with MYH7-related disorders in the literature. This variant has been identified in 2/251274 chromosomes in the general population by the Genome Aggregation Database (gnomAD). The available evidence is insufficient to determine the role of this variant in disease conclusively. Therefore, this variant is classified as a Variant of Uncertain Significance.

This study involves interpretation of variants in research participants for the purpose of population health screening. Participant phenotype was not available at the time of variant classification. Additional details can be found in publication PMID: 35346344, PMCID: PMC8962531

Laboratory for Molecular Medicine, Mass General Brigham Personalized Medicine
Classification: Uncertain significance. Last evaluated: 2024-03-06. Review status: criteria provided, single submitter. Criteria: ACMG Guidelines, 2015. Collection method: clinical testing. Allele origin: germline.
Comment: proposed classification - variant undergoing re-assessment, contact laboratory

CeGaT Center for Human Genetics Tuebingen
Classification: Uncertain significance. Last evaluated: 2024-01-01. Review status: criteria provided, single submitter. Criteria: CeGaT Center For Human Genetics Tuebingen Variant Classification Criteria Version 2. Collection method: clinical testing. Allele origin: germline. Affected: yes. Observed: 1 variant allele.
Comment: MYH7: PM2

Color Diagnostics, LLC DBA Color Health
Classification: Uncertain significance for Cardiomyopathy. Last evaluated: 2023-06-09. Review status: criteria provided, single submitter. Criteria: ACMG Guidelines, 2015. Collection method: clinical testing. Allele origin: germline.
Comment: This missense variant replaces alanine with threonine at codon 13 of the MYH7 protein. Computational prediction is inconclusive regarding the impact of this variant on protein structure and function (internally defined REVEL score threshold 0.5 < inconclusive < 0.7, PMID: 27666373). To our knowledge, functional studies have not been reported for this variant. This variant has not been reported in individuals affected with MYH7-related disorders in the literature. This variant has been identified in 2/251274 chromosomes in the general population by the Genome Aggregation Database (gnomAD). The available evidence is insufficient to determine the role of this variant in disease conclusively. Therefore, this variant is classified as a Variant of Uncertain Significance.

GeneDx
Classification: Uncertain significance. Last evaluated: 2023-01-27. Review status: criteria provided, single submitter. Criteria: GeneDx Variant Classification Process June 2021. Collection method: clinical testing. Allele origin: germline. Affected: yes.
Comment: Has not been previously published as pathogenic or benign to our knowledge; Not observed at significant frequency in large population cohorts (gnomAD); In silico analysis supports that this missense variant has a deleterious effect on protein structure/function; This variant is associated with the following publications: (PMID: 15940186, 26664906, 31234582)

CHEO Genetics Diagnostic Laboratory, Children's Hospital of Eastern Ontario
Classification: Uncertain significance for Cardiomyopathy. Last evaluated: 2021-09-21. Review status: criteria provided, single submitter. Criteria: ACMG Guidelines, 2015. Collection method: clinical testing. Allele origin: germline.

Ambry Genetics
Classification: Uncertain significance for Cardiovascular phenotype. Last evaluated: 2021-05-24. Review status: criteria provided, single submitter. Criteria: Ambry Variant Classification Scheme 2023. Collection method: clinical testing. Allele origin: germline.
Comment: The p.A13T variant (also known as c.37G>A), located in coding exon 1 of the MYH7 gene, results from a G to A substitution at nucleotide position 37. The alanine at codon 13 is replaced by threonine, an amino acid with similar properties. This amino acid position is highly conserved in available vertebrate species. In addition, this alteration is predicted to be deleterious by in silico analysis. Since supporting evidence is limited at this time, the clinical significance of this alteration remains unclear.

Literature cited by the submitters: PubMed 15940186 (cited by Labcorp Genetics (formerly Invitae), Labcorp).

NM_000257.4(MYH7):c.37G>A (p.Ala13Thr)

Gene: MYH7 (myosin heavy chain 7; minus strand). Cytogenetic location: 14q11.2.
Variant type: single nucleotide variant.
Coding change: c.37G>A on transcript NM_000257.4 (MANE Select); coding-DNA position 37, G replaced by A.
Protein change: p.Ala13Thr; replaces alanine 13 with threonine.
Molecular consequence: missense variant.
Genome position (GRCh38, 1-based): chr14:23,433,696, C>T on the plus strand (G>A on the coding strand, the complement: MYH7 is on the minus strand). VCF-style: chr14-23433696-C-T. GRCh37 (hg19) VCF-style: chr14-23902905-C-T.
Other names: short protein forms A13T.
Identifiers: ClinVar variation 228909 (VCV000228909.45), dbSNP rs759231966, ClinGen allele CA038963.
Genomic context (GRCh38, chr14:23,433,696, plus strand): 5'-GGTCAAAAGGCCTGGTCTGCGCTTCTAGCCGCTCCTTCTCTGACTTGCGCAGGTAGGGGG[C>T]GGCAGCCCCAAAGACTGCCATCTCCGAATCTCCCATGGCTGTGCCTGGAGTGAGCAGAAG-3'
Protein context (NP_000248.2, residues 3-23): DSEMAVFGAA[Ala13Thr]PYLRKSEKER